The following is an entry in ClinVar:

NM_000057.4(BLM):c.625C>T (p.Pro209Ser)

Gene: BLM (BLM RecQ like helicase; plus strand). Cytogenetic location: 15q26.1.
Variant type: single nucleotide variant.
Coding change: c.625C>T on transcript NM_000057.4 (MANE Select); coding-DNA position 625, C replaced by T.
Protein change: p.Pro209Ser; replaces proline 209 with serine.
Molecular consequence: missense variant. On other transcripts: 5 prime UTR variant (1).
Genome position (GRCh38, 1-based): chr15:90,749,893, C>T. VCF-style: chr15-90749893-C-T. GRCh37 (hg19) VCF-style: chr15-91293123-C-T.
Other names: c.625C>T, p.Pro209Ser (NM_001287246.2, NM_001287247.2); c.-667C>T (NM_001287248.2); short protein forms P209S.
Identifiers: ClinVar variation 3609040 (VCV003609040.2).
Genomic context (GRCh38, chr15:90,749,893, plus strand): 5'-GGTAAGAGAAACTTTTTTAAAGCACAGCTTTATACAACAAACACAGTAAAGACTGATTTG[C>T]CTCCACCCTCCTCTGAAAGCGAGCAAATAGATTTGACTGAGGAACAGAAGGATGACTCAG-3'
Protein context (NP_000048.1, residues 199-219): YTTNTVKTDL[Pro209Ser]PPSSESEQID

ClinVar aggregate classification (germline): Uncertain significance (1 of 4 stars; one submission).

Conditions:
Bloom syndrome (BLM). Also called: Bloom-Torre-Machacek syndrome. Identifiers: Orphanet 125, MedGen C0005859, MONDO:0008876, OMIM 210900.

Submission:

Labcorp Genetics (formerly Invitae), Labcorp
Classification: Uncertain significance for Bloom syndrome. Last evaluated: 2025-05-19. Review status: criteria provided, single submitter. Criteria: Invitae Variant Classification Sherloc (09022015). Collection method: clinical testing. Allele origin: germline.
Comment: This sequence change replaces proline, which is neutral and non-polar, with serine, which is neutral and polar, at codon 209 of the BLM protein (p.Pro209Ser). This variant is not present in population databases (gnomAD no frequency). This variant has not been reported in the literature in individuals affected with BLM-related conditions. ClinVar contains an entry for this variant (Variation ID: 3609040). An algorithm developed to predict the effect of missense changes on protein structure and function outputs the following: PolyPhen-2: "Benign". The serine amino acid residue is found in multiple mammalian species, which suggests that this missense change does not adversely affect protein function. Algorithms developed to predict the effect of sequence changes on RNA splicing suggest that this variant may create or strengthen a splice site. In summary, the available evidence is currently insufficient to determine the role of this variant in disease. Therefore, it has been classified as a Variant of Uncertain Significance.